The following is an entry in ClinVar:

ClinVar aggregate classification (germline): Uncertain significance. Review status: criteria provided, multiple submitters, no conflicts (2 of 4 stars). 2 submissions from 2 submitters: Uncertain significance (2). Last evaluated 2023-06-06.

Allele frequency attached by ClinVar (database versions not stated): gnomAD 0.00004; TOPMed 0.00007.

Submissions (2):

GeneDx
Classification: Uncertain significance. Last evaluated: 2023-06-06. Review status: criteria provided, single submitter. Criteria: GeneDx Variant Classification Process June 2021. Collection method: clinical testing. Allele origin: germline. Affected: yes.
Comment: In silico analysis supports that this missense variant does not alter protein structure/function; Has not been previously published as pathogenic or benign to our knowledge

Labcorp Genetics (formerly Invitae), Labcorp
Classification: Uncertain significance. Last evaluated: 2022-08-06. Review status: criteria provided, single submitter. Criteria: Invitae Variant Classification Sherloc (09022015). Collection method: clinical testing. Allele origin: germline.
Comment: This sequence change replaces asparagine, which is neutral and polar, with lysine, which is basic and polar, at codon 363 of the PIGV protein (p.Asn363Lys). This variant is present in population databases (no rsID available, gnomAD 0.06%). This variant has not been reported in the literature in individuals affected with PIGV-related conditions. ClinVar contains an entry for this variant (Variation ID: 1427691). Algorithms developed to predict the effect of missense changes on protein structure and function output the following: SIFT: "Tolerated"; PolyPhen-2: "Benign"; Align-GVGD: "Class C0". The lysine amino acid residue is found in multiple mammalian species, which suggests that this missense change does not adversely affect protein function. In summary, the available evidence is currently insufficient to determine the role of this variant in disease. Therefore, it has been classified as a Variant of Uncertain Significance.

NM_017837.4(PIGV):c.1089C>A (p.Asn363Lys)

Gene: PIGV (phosphatidylinositol glycan anchor biosynthesis class V; plus strand). Cytogenetic location: 1p36.11.
Variant type: single nucleotide variant.
Coding change: c.1089C>A on transcript NM_017837.4 (MANE Select); coding-DNA position 1089, C replaced by A.
Protein change: p.Asn363Lys; replaces asparagine 363 with lysine.
Molecular consequence: missense variant. On other transcripts: non-coding transcript variant (1), intron variant (1).
Genome position (GRCh38, 1-based): chr1:26,795,123, C>A. VCF-style: chr1-26795123-C-A. GRCh37 (hg19) VCF-style: chr1-27121614-C-A.
Other names: c.1089C>A, p.Asn363Lys (NM_001202554.2, NM_001374478.1, NM_001374480.1 and 2 more transcripts); c.708C>A, p.Asn236Lys (NM_001374483.1); c.462C>A, p.Asn154Lys (NM_001374484.1, NM_001374485.1); c.79-2440C>A (NM_001374486.1); c.1089C>A (NM_017837.3); short protein forms N154K, N236K, N363K.
Identifiers: ClinVar variation 1427691 (VCV001427691.5), dbSNP rs904668661, ClinGen allele CA19834594.